The following is an entry in ClinVar:

NM_014915.3(ANKRD26):c.1537A>G (p.Met513Val)

Gene: ANKRD26 (ankyrin repeat domain 26; minus strand). Cytogenetic location: 10p12.1.
Variant type: single nucleotide variant.
Coding change: c.1537A>G on transcript NM_014915.3 (MANE Select); coding-DNA position 1537, A replaced by G.
Protein change: p.Met513Val; replaces methionine 513 with valine.
Molecular consequence: missense variant.
Genome position (GRCh38, 1-based): chr10:27,060,372, T>C on the plus strand (A>G on the coding strand, the complement: ANKRD26 is on the minus strand). VCF-style: chr10-27060372-T-C. GRCh37 (hg19) VCF-style: chr10-27349301-T-C.
Other names: c.1537A>G, p.Met513Val (NM_001256053.2); short protein forms M513V.
Identifiers: ClinVar variation 1033717 (VCV001033717.7), dbSNP rs770459954, ClinGen allele CA376357119.
Genomic context (GRCh38, chr10:27,060,372, plus strand): 5'-CTTCCAAGATTAAATATATATTGCAACATTTACCTGCTTTGGATGTTTGTACATCCTTCA[T>C]TCCTCCTGCTTTATTTGGAACAGAATCTTTCATTTCAATGGTAGGCTGAATGGGTTTTGA-3'
Protein context (NP_055730.2, residues 503-523): KDSVPNKAGG[Met513Val]KDVQTSKAAE

ClinVar aggregate classification (germline): Uncertain significance. Review status: criteria provided, multiple submitters, no conflicts (2 of 4 stars). 3 submissions from 3 submitters: Uncertain significance (3). Last evaluated 2022-07-31.

Conditions:
Thrombocytopenia 2 (THC2). Also called: ANKRD26-Related Thrombocytopenia. Identifiers: Orphanet 268322, MedGen C1861185, MONDO:0008555, OMIM 188000.

Allele frequency attached by ClinVar (database versions not stated): gnomAD exomes below 0.00001; gnomAD 0.00001 and 0.00002; TOPMed 0.00002.
gnomAD v4.1: 7 of 1,612,722 alleles (0.00043%); highest among the groups gnomAD compares: Admixed American, 0.0083%; no homozygotes.

Submissions (3):

Labcorp Genetics (formerly Invitae), Labcorp
Classification: Uncertain significance. Last evaluated: 2022-07-31. Review status: criteria provided, single submitter. Criteria: Invitae Variant Classification Sherloc (09022015). Collection method: clinical testing. Allele origin: germline.
Comment: This sequence change replaces methionine, which is neutral and non-polar, with valine, which is neutral and non-polar, at codon 513 of the ANKRD26 protein (p.Met513Val). This variant is present in population databases (no rsID available, gnomAD 0.009%). This variant has not been reported in the literature in individuals affected with ANKRD26-related conditions. ClinVar contains an entry for this variant (Variation ID: 1033717). Algorithms developed to predict the effect of missense changes on protein structure and function output the following: SIFT: "Tolerated"; PolyPhen-2: "Benign"; Align-GVGD: "Class C0". The valine amino acid residue is found in multiple mammalian species, which suggests that this missense change does not adversely affect protein function. In summary, the available evidence is currently insufficient to determine the role of this variant in disease. Therefore, it has been classified as a Variant of Uncertain Significance.

GeneDx
Classification: Uncertain significance. Last evaluated: 2021-05-28. Review status: criteria provided, single submitter. Criteria: GeneDx Variant Classification Process June 2021. Collection method: clinical testing. Allele origin: germline. Affected: yes.
Comment: Has not been previously published as pathogenic or benign to our knowledge; Not observed at significant frequency in large population cohorts (Lek 2016); In silico analysis supports that this missense variant does not alter protein structure/function; This variant is associated with the following publications: (PMID: 27535533)

Baylor Genetics
Classification: Uncertain significance for Thrombocytopenia 2. Last evaluated: 2018-03-20. Review status: criteria provided, single submitter. Criteria: ACMG Guidelines, 2015. Collection method: clinical testing. Allele origin: maternal. Affected: yes.
Comment: This variant was determined to be of uncertain significance according to ACMG Guidelines, 2015 [PMID:25741868].